The following is an entry in ClinVar:

ClinVar aggregate classification (germline): Pathogenic (1 of 4 stars; one submission).

Conditions:
Medulloblastoma (MDB). Also called: Medulloblastoma, somatic; MEDULLOBLASTOMA PREDISPOSITION SYNDROME. Identifiers: Orphanet 616, MedGen C0025149, MeSH D008527, MONDO:0007959, OMIM 155255, HP:0002885.
Gorlin syndrome. Also called: Basal cell nevus syndrome; Nevoid Basal Cell Carcinoma Syndrome. Identifiers: Orphanet 377, MedGen C0004779, MONDO:0007187.

Submission:

Labcorp Genetics (formerly Invitae), Labcorp
Classification: Pathogenic for Gorlin syndrome; Medulloblastoma. Last evaluated: 2023-03-24. Review status: criteria provided, single submitter. Criteria: Invitae Variant Classification Sherloc (09022015). Collection method: clinical testing. Allele origin: germline.
Comment: For these reasons, this variant has been classified as Pathogenic. This variant has not been reported in the literature in individuals affected with SUFU-related conditions. This variant is not present in population databases (gnomAD no frequency). This sequence change creates a premature translational stop signal (p.Arg5Profs*36) in the SUFU gene. It is expected to result in an absent or disrupted protein product. Loss-of-function variants in SUFU are known to be pathogenic (PMID: 22508808, 25403219, 33024317).

Literature cited by the submitters: PubMed 22508808; PubMed 25403219; PubMed 33024317.

NM_016169.4(SUFU):c.14_33del (p.Arg5fs)

Genes: SUFU (SUFU negative regulator of hedgehog signaling; plus strand), LOC130004614 (ATAC-STARR-seq lymphoblastoid silent region 2764; plus strand). Cytogenetic location: 10q24.32.
Variant type: Deletion.
Coding change: c.14_33del on transcript NM_016169.4 (MANE Select); coding-DNA positions 14 to 33, 20 bases deleted (GGCCTAGCGGCGCCCCCGGC).
Protein change: p.Arg5fs; shifts the reading frame from arginine 5.
Molecular consequence: frameshift variant.
Genome position (GRCh38, 1-based): chr10:102,504,166-102,504,185, GGCCTAGCGGCGCCCCCGGC deleted; deleting any 20 consecutive bases within chr10:102,504,164-102,504,185 gives the same sequence; the c. name uses the placement nearest the transcript's 3' end. VCF-style (leftmost placement, unchanged base first): chr10-102504163-TGCGGCCTAGCGGCGCCCCCG-T. GRCh37 (hg19) VCF-style: chr10-104263920-TGCGGCCTAGCGGCGCCCCCG-T.
Other names: c.14_33del, p.Arg5fs (NM_001178133.2); short protein forms R5fs.
Identifiers: ClinVar variation 2935882 (VCV002935882.3), dbSNP rs2544829771, ClinGen allele CA2740093512.